The following is an entry in ClinVar:

ClinVar aggregate classification (germline): Uncertain significance (1 of 4 stars; one submission).

Submission:

Labcorp Genetics (formerly Invitae), Labcorp
Classification: Uncertain significance. Last evaluated: 2022-09-09. Review status: criteria provided, single submitter. Criteria: Invitae Variant Classification Sherloc (09022015). Collection method: clinical testing. Allele origin: germline.
Comment: In summary, the available evidence is currently insufficient to determine the role of this variant in disease. Therefore, it has been classified as a Variant of Uncertain Significance. This variant has not been reported in the literature in individuals affected with ANKZF1-related conditions. This variant is not present in population databases (gnomAD no frequency). This sequence change creates a premature translational stop signal (p.Glu53Argfs*48) in the ANKZF1 gene. It is expected to result in an absent or disrupted protein product. However, the current clinical and genetic evidence is not sufficient to establish whether loss-of-function variants in ANKZF1 cause disease.

NM_018089.3(ANKZF1):c.153del (p.Glu53fs)

Gene: ANKZF1 (ankyrin repeat and zinc finger peptidyl tRNA hydrolase 1; plus strand). Cytogenetic location: 2q35.
Variant type: Deletion.
Coding change: c.153del on transcript NM_018089.3 (MANE Select); coding-DNA position 153, one base deleted (A; older notation c.153delA).
Protein change: p.Glu53fs; shifts the reading frame from glutamic acid 53.
Molecular consequence: frameshift variant. On other transcripts: intron variant (1).
Genome position (GRCh38, 1-based): chr2:219,231,932, A deleted. VCF-style (leftmost placement, unchanged base first): chr2-219231931-CA-C. GRCh37 (hg19) VCF-style: chr2-220096653-CA-C.
Other names: c.153del, p.Glu53fs (NM_001042410.2); c.-266-558del (NM_001282792.2); short protein forms E53fs.
Identifiers: ClinVar variation 2029792 (VCV002029792.4), dbSNP rs2544911041, ClinGen allele CA2580065757.